The following is an entry in ClinVar:

NC_000011.10:g.(?_2775954)_(2777038_?)del

Gene: KCNQ1 (potassium voltage-gated channel subfamily Q member 1; plus strand). Cytogenetic location: 11p15.5.
Variant type: Deletion.
Identifiers: ClinVar variation 645879 (VCV000645879.1).

ClinVar aggregate classification (germline): Pathogenic (1 of 4 stars; one submission).

Conditions:
Long QT syndrome (LQTS). Identifiers: MedGen C0023976, MeSH D008133, MONDO:0002442. Disease mechanism: loss of function. Inheritance: Various modes of inheritance.

Submission:

Labcorp Genetics (formerly Invitae), Labcorp
Classification: Pathogenic for Long QT syndrome. Last evaluated: 2018-08-31. Review status: criteria provided, single submitter. Criteria: Invitae Variant Classification Sherloc (09022015). Collection method: clinical testing. Allele origin: germline.
Comment: This variant is an out-of-frame deletion of the genomic region encompassing exons 13-14 of the KCNQ1 gene. This is expected to create a premature translational stop signal and result in an absent or disrupted protein product. Similar deletions of exons 13-14 have been reported in the literature in individuals affected with long QT syndrome (PMID: 25564553, 18774102). Loss-of-function variants in KCNQ1 are known to be pathogenic (PMID: 9323054, 19862833). For these reasons, this variant has been classified as Pathogenic.

Literature cited by the submitters: PubMed 18774102; PubMed 25564553.